The following is an entry in ClinVar:

NM_000038.6(APC):c.8056G>A (p.Val2686Ile)

Gene: APC (APC regulator of Wnt signaling pathway; plus strand). Cytogenetic location: 5q22.2.
Variant type: single nucleotide variant.
Coding change: c.8056G>A on transcript NM_000038.6 (MANE Select); coding-DNA position 8056, G replaced by A.
Protein change: p.Val2686Ile; replaces valine 2686 with isoleucine.
Molecular consequence: missense variant.
Genome position (GRCh38, 1-based): chr5:112,843,650, G>A. VCF-style: chr5-112843650-G-A. GRCh37 (hg19) VCF-style: chr5-112179347-G-A.
Other names: c.8056G>A, p.Val2686Ile (NM_001127510.3, NM_001354895.2); c.8002G>A, p.Val2668Ile (NM_001127511.3); c.8110G>A, p.Val2704Ile (NM_001354896.2); c.8086G>A, p.Val2696Ile (NM_001354897.2); c.7981G>A, p.Val2661Ile (NM_001354898.2); c.7972G>A, p.Val2658Ile (NM_001354899.2); c.7933G>A, p.Val2645Ile (NM_001354900.2); c.7879G>A, p.Val2627Ile (NM_001354901.2); and 5 more; short protein forms V2403I, V2526I, V2560I, V2585I, V2595I, V2627I, V2645I, V2658I.
Identifiers: ClinVar variation 1055399 (VCV001055399.48), dbSNP rs2149998586, ClinGen allele CA16038823.

ClinVar aggregate classification (germline): Uncertain significance (1 of 4 stars; one submission).

Conditions:
Familial adenomatous polyposis 1 (FAP1). Also called: FAMILIAL ADENOMATOUS POLYPOSIS 1, ATTENUATED; POLYPOSIS, ADENOMATOUS INTESTINAL. Identifiers: MedGen C2713442, MONDO:0021056, OMIM 175100. Disease mechanism: loss of function.

Submission:

Labcorp Genetics (formerly Invitae), Labcorp
Classification: Uncertain significance for Familial adenomatous polyposis 1. Last evaluated: 2021-02-23. Review status: criteria provided, single submitter. Criteria: Invitae Variant Classification Sherloc (09022015). Collection method: clinical testing. Allele origin: germline.
Comment: In summary, the available evidence is currently insufficient to determine the role of this variant in disease. Therefore, it has been classified as a Variant of Uncertain Significance. Algorithms developed to predict the effect of missense changes on protein structure and function output the following: SIFT: "Tolerated"; PolyPhen-2: "Benign"; Align-GVGD: "Class C0". The isoleucine amino acid residue is found in multiple mammalian species, suggesting that this missense change does not adversely affect protein function. These predictions have not been confirmed by published functional studies and their clinical significance is uncertain. This variant has not been reported in the literature in individuals with APC-related conditions. This variant is not present in population databases (ExAC no frequency). This sequence change replaces valine with isoleucine at codon 2686 of the APC protein (p.Val2686Ile). The valine residue is moderately conserved and there is a small physicochemical difference between valine and isoleucine.